The following is an entry in ClinVar:

NM_004656.4(BAP1):c.2161T>G (p.Ser721Ala)

Gene: BAP1 (BRCA1 associated deubiquitinase 1; minus strand). Cytogenetic location: 3p21.1.
Variant type: single nucleotide variant.
Coding change: c.2161T>G on transcript NM_004656.4 (MANE Select); coding-DNA position 2161, T replaced by G.
Protein change: p.Ser721Ala; replaces serine 721 with alanine.
Molecular consequence: missense variant.
Genome position (GRCh38, 1-based): chr3:52,402,317, A>C on the plus strand (T>G on the coding strand, the complement: BAP1 is on the minus strand). VCF-style: chr3-52402317-A-C. GRCh37 (hg19) VCF-style: chr3-52436333-A-C.
Other names: c.2107T>G, p.Ser703Ala (NM_001410772.1); short protein forms S721A, S703A.
Identifiers: ClinVar variation 3642444 (VCV003642444.2).
Genomic context (GRCh38, chr3:52,402,317, plus strand): 5'-GAGTGGGCTGCAGAGTCAGGGCCAGCAGTCCTCACTGGCGCTTGGCCTTGTAGGGGCGAG[A>C]GCGTTTCCGCCGGTCAGGCTTCCGCTGCTTGTGGAGCCGGCCGATGCTGACCCCTTGGCG-3'
Protein context (NP_004647.1, residues 711-729): KQRKPDRRKR[Ser721Ala]RPYKAKRQ

ClinVar aggregate classification (germline): Uncertain significance (1 of 4 stars; one submission).

Conditions:
BAP1-related tumor predisposition syndrome (TPDS1). Also called: Tumor susceptibility linked to germline BAP1 mutations; TUMOR PREDISPOSITION SYNDROME 1; COMMON Syndrome; BAP1 tumor predisposition syndrome. Identifiers: Orphanet 289539, MedGen C3280492, MONDO:0013692, OMIM 614327.

Submission:

Labcorp Genetics (formerly Invitae), Labcorp
Classification: Uncertain significance for BAP1-related tumor predisposition syndrome. Last evaluated: 2024-02-22. Review status: criteria provided, single submitter. Criteria: Invitae Variant Classification Sherloc (09022015). Collection method: clinical testing. Allele origin: germline.
Comment: This sequence change replaces serine, which is neutral and polar, with alanine, which is neutral and non-polar, at codon 721 of the BAP1 protein (p.Ser721Ala). This variant is not present in population databases (gnomAD no frequency). This variant has not been reported in the literature in individuals affected with BAP1-related conditions. Advanced modeling of protein sequence and biophysical properties (such as structural, functional, and spatial information, amino acid conservation, physicochemical variation, residue mobility, and thermodynamic stability) performed at Invitae indicates that this missense variant is not expected to disrupt BAP1 protein function with a negative predictive value of 80%. In summary, the available evidence is currently insufficient to determine the role of this variant in disease. Therefore, it has been classified as a Variant of Uncertain Significance.